The following is an entry in ClinVar:

ClinVar aggregate classification (germline): Likely benign. Review status: criteria provided, single submitter (1 of 4 stars). 2 submissions from 2 submitters: Likely benign (1). 1 of the submissions does not count toward it. Last evaluated 2025-07-01.

Conditions:
Cognitive impairment - coarse facies - heart defects - obesity - pulmonary involvement - short stature - skeletal dysplasia syndrome. Also called: Chops syndrome; AFF4-Related CHOPS Syndrome; COGNITIVE IMPAIRMENT, COARSE FACIES, HEART DEFECTS, OBESITY, PULMONARY INVOLVEMENT, SHORT STATURE, AND SKELETAL DYSPLASIA. Identifiers: Orphanet 444077, MedGen C4085597, MONDO:0014609, OMIM 616368.
AFF4-related disorder. Also called: AFF4-related condition.

Allele frequency attached by ClinVar (database versions not stated): TOPMed 0.00001; gnomAD 0.00003.
gnomAD v4.1: 43 of 1,604,694 alleles (0.0027%); highest among the groups gnomAD compares: Non-Finnish European, 0.0033%; no homozygotes.

Submissions (2):

Labcorp Genetics (formerly Invitae), Labcorp
Classification: Likely benign for Cognitive impairment - coarse facies - heart defects - obesity - pulmonary involvement - short stature - skeletal dysplasia syndrome. Last evaluated: 2025-07-01. Review status: criteria provided, single submitter. Criteria: Invitae Variant Classification Sherloc (09022015). Collection method: clinical testing. Allele origin: germline.

PreventionGenetics, part of Exact Sciences
Classification: Likely benign for AFF4-related condition. Last evaluated: 2024-05-12. Review status: no assertion criteria provided. Collection method: clinical testing. Allele origin: germline. Not counted in ClinVar's aggregate classification.
Comment: This variant is classified as likely benign based on ACMG/AMP sequence variant interpretation guidelines (Richards et al. 2015 PMID: 25741868, with internal and published modifications).

NM_014423.4(AFF4):c.919-4C>G

Gene: AFF4 (ALF transcription elongation factor 4; minus strand). Cytogenetic location: 5q31.1.
Variant type: single nucleotide variant.
Coding change: c.919-4C>G on transcript NM_014423.4 (MANE Select); 4 bases into the intron before coding-DNA position 919, C replaced by G.
Molecular consequence: intron variant.
Genome position (GRCh38, 1-based): chr5:132,932,226, G>C on the plus strand (C>G on the coding strand, the complement: AFF4 is on the minus strand). VCF-style: chr5-132932226-G-C. GRCh37 (hg19) VCF-style: chr5-132267918-G-C.
Other names: c.919-4C>G (NM_014423.3).
Identifiers: ClinVar variation 2044351 (VCV002044351.5), dbSNP rs750031934, ClinGen allele CA3409322.
Genomic context (GRCh38, chr5:132,932,226, plus strand): 5'-TAAAAAACTTACTTTTAGGATTTCATCCACACAGCTCACATCACCAGAAGCTGATGCCTT[G>C]AAAGAAAAAGCAGCACACATTAGATTTTTATCAGTAGATTTTTAGTATTTGCTTCACAGA-3'